The following is an entry in ClinVar:

NM_002103.5(GYS1):c.1926G>T (p.Val642=)

Gene: GYS1 (glycogen synthase 1; minus strand). Cytogenetic location: 19q13.33.
Variant type: single nucleotide variant.
Coding change: c.1926G>T on transcript NM_002103.5 (MANE Select); coding-DNA position 1926, G replaced by T.
Protein change: p.Val642=; no amino-acid change (valine 642 retained).
Molecular consequence: synonymous variant. On other transcripts: non-coding transcript variant (1).
Genome position (GRCh38, 1-based): chr19:48,969,576, C>A on the plus strand (G>T on the coding strand, the complement: GYS1 is on the minus strand). VCF-style: chr19-48969576-C-A. GRCh37 (hg19) VCF-style: chr19-49472833-C-A.
Other names: c.1734G>T, p.Val578= (NM_001161587.2).
Identifiers: ClinVar variation 389185 (VCV000389185.1), dbSNP rs5451, ClinGen allele CA16608200.
Genomic context (GRCh38, chr19:48,969,576, plus strand): 5'-ATCCTCCTCGTCCTCACTCTGGTGCGGGCTGGAGTGTCGTGACAGCGAGGGCGACGGTGG[C>A]ACCGAGGCTGGCCGTGGGTAGCGGTACCCCTGGGCCTGCATACGGCGATGTGGGTGCAAA-3'
Protein context (NP_002094.2, residues 632-652): QGYRYPRPAS[Val642=]PPSPSLSRHS

ClinVar aggregate classification (germline): Likely benign (1 of 4 stars; one submission).

gnomAD v4.1: 2 of 1,538,474 alleles (0.00013%); highest among the groups gnomAD compares: Non-Finnish European, 0.00017%; no homozygotes.

Submission:

GeneDx
Classification: Likely benign. Last evaluated: 2016-09-30. Review status: criteria provided, single submitter. Criteria: GeneDx Variant Classification (06012015). Collection method: clinical testing. Allele origin: germline. Affected: yes.
Comment: This variant is considered likely benign or benign based on one or more of the following criteria: it is a conservative change, it occurs at a poorly conserved position in the protein, it is predicted to be benign by multiple in silico algorithms, and/or has population frequency not consistent with disease.